The following is an entry in ClinVar:

ClinVar aggregate classification (germline): Uncertain significance. Review status: criteria provided, multiple submitters, no conflicts (2 of 4 stars). 3 submissions from 3 submitters: Uncertain significance (2). 1 of the submissions does not count toward it. Last evaluated 2022-08-08.

Conditions:
Joubert syndrome. Also called: CEREBELLOPARENCHYMAL DISORDER IV; JOUBERT-BOLTSHAUSER SYNDROME; Familial aplasia of the vermis. Identifiers: Orphanet 475, MedGen C5979921, MONDO:0018772.
Nephronophthisis. Also called: Juvenile Nephronophthisis. Identifiers: Orphanet 655, MedGen C0687120, MONDO:0019005, HP:0000090.
Meckel-Gruber syndrome. Also called: DYSENCEPHALIA SPLANCHNOCYSTICA; GRUBER SYNDROME; Dysencephalia splachnocystica. Identifiers: Orphanet 564, MedGen C0265215, MONDO:0018921.
CEP290-related disorder. Also called: CEP290-related disorders; CEP290-related condition. Identifiers: MedGen CN239314.

Allele frequency attached by ClinVar (database versions not stated): gnomAD exomes below 0.00001 and 0.00001; gnomAD 0.00001; TOPMed 0.00001.
gnomAD v4.1: 7 of 1,556,562 alleles (0.00045%); highest among the groups gnomAD compares: Admixed American, 0.0097%; no homozygotes.

Submissions (3):

GeneDx
Classification: Uncertain significance. Last evaluated: 2022-08-08. Review status: criteria provided, single submitter. Criteria: GeneDx Variant Classification Process June 2021. Collection method: clinical testing. Allele origin: germline. Affected: yes.
Comment: Not observed at significant frequency in large population cohorts (gnomAD); In silico analysis supports that this missense variant has a deleterious effect on protein structure/function; Has not been previously published as pathogenic or benign to our knowledge

Labcorp Genetics (formerly Invitae), Labcorp
Classification: Uncertain significance for Joubert syndrome; Meckel-Gruber syndrome; Nephronophthisis. Last evaluated: 2022-07-05. Review status: criteria provided, single submitter. Criteria: Invitae Variant Classification Sherloc (09022015). Collection method: clinical testing. Allele origin: germline.
Comment: This sequence change replaces glutamine, which is neutral and polar, with arginine, which is basic and polar, at codon 1186 of the CEP290 protein (p.Gln1186Arg). The frequency data for this variant in the population databases is considered unreliable, as metrics indicate poor data quality at this position in the gnomAD database. This variant has not been reported in the literature in individuals affected with CEP290-related conditions. ClinVar contains an entry for this variant (Variation ID: 1408645). Algorithms developed to predict the effect of missense changes on protein structure and function are either unavailable or do not agree on the potential impact of this missense change (SIFT: "Tolerated"; PolyPhen-2: "Probably Damaging"; Align-GVGD: "Class C0"). In summary, the available evidence is currently insufficient to determine the role of this variant in disease. Therefore, it has been classified as a Variant of Uncertain Significance.

PreventionGenetics, part of Exact Sciences
Classification: Uncertain significance for CEP290-related condition. Last evaluated: 2024-04-30. Review status: no assertion criteria provided. Collection method: clinical testing. Allele origin: germline. Not counted in ClinVar's aggregate classification.
Comment: The CEP290 c.3557A>G variant is predicted to result in the amino acid substitution p.Gln1186Arg. To our knowledge, this variant has not been reported in the literature. This variant is reported in 0.012% of alleles in individuals of Latino descent in gnomAD. At this time, the clinical significance of this variant is uncertain due to the absence of conclusive functional and genetic evidence.

NM_025114.4(CEP290):c.3557A>G (p.Gln1186Arg)

Gene: CEP290 (centrosomal protein 290; minus strand). Cytogenetic location: 12q21.32.
Variant type: single nucleotide variant.
Coding change: c.3557A>G on transcript NM_025114.4 (MANE Select); coding-DNA position 3557, A replaced by G.
Protein change: p.Gln1186Arg; replaces glutamine 1186 with arginine.
Molecular consequence: missense variant.
Genome position (GRCh38, 1-based): chr12:88,090,744, T>C on the plus strand (A>G on the coding strand, the complement: CEP290 is on the minus strand). VCF-style: chr12-88090744-T-C. GRCh37 (hg19) VCF-style: chr12-88484521-T-C.
Other names: c.3557A>G (NM_025114.3); short protein forms Q1186R.
Identifiers: ClinVar variation 1408645 (VCV001408645.5), dbSNP rs920028502, ClinGen allele CA241165902.
Genomic context (GRCh38, chr12:88,090,744, plus strand): 5'-GGAAAAAAGTGGATTCTATGTAGAAGAGCCAATACTGCACATACCTGATAGTCTAGCAGT[T>C]GCATTCTGAGGGACTCTACTTCCTTGTCCCTAGATTGTTGTTGTGCATTCAAAATTTCAA-3'
Protein context (NP_079390.3, residues 1176-1196): RDKEVESLRM[Gln1186Arg]LLDYQAQSDE